The following is an entry in ClinVar:

ClinVar aggregate classification (germline): Likely pathogenic (1 of 4 stars; one submission).

Submission:

Labcorp Genetics (formerly Invitae), Labcorp
Classification: Likely pathogenic. Last evaluated: 2022-05-03. Review status: criteria provided, single submitter. Criteria: Invitae Variant Classification Sherloc (09022015). Collection method: clinical testing. Allele origin: germline.
Comment: Algorithms developed to predict the effect of sequence changes on RNA splicing suggest that this variant may disrupt the consensus splice site. This variant has not been reported in the literature in individuals affected with DMXL2-related conditions. This sequence change affects an acceptor splice site in intron 4 of the DMXL2 gene. It is expected to disrupt RNA splicing. Variants that disrupt the donor or acceptor splice site typically lead to a loss of protein function (PMID: 16199547), and loss-of-function variants in DMXL2 are known to be pathogenic (PMID: 30237576, 31688942). This variant is not present in population databases (gnomAD no frequency). In summary, the currently available evidence indicates that the variant is pathogenic, but additional data are needed to prove that conclusively. Therefore, this variant has been classified as Likely Pathogenic.

Literature cited by the submitters: PubMed 16199547; PubMed 30237576; PubMed 31688942.

NM_001378457.1(DMXL2):c.365-2A>C

Gene: DMXL2 (Dmx like 2; minus strand). Cytogenetic location: 15q21.2.
Variant type: single nucleotide variant.
Coding change: c.365-2A>C on transcript NM_001378457.1 (MANE Select); the canonical splice acceptor site of the intron before coding-DNA position 365, A replaced by C.
Molecular consequence: splice acceptor variant.
Genome position (GRCh38, 1-based): chr15:51,564,262, T>G on the plus strand (A>C on the coding strand, the complement: DMXL2 is on the minus strand). VCF-style: chr15-51564262-T-G. GRCh37 (hg19) VCF-style: chr15-51856459-T-G.
Other names: c.365-2A>C (NM_001378460.1, NM_001174117.3, NM_015263.5 and 7 more transcripts).
Identifiers: ClinVar variation 2133271 (VCV002133271.4), dbSNP rs2548703107, ClinGen allele CA392756655.